The following is an entry in ClinVar:

ClinVar aggregate classification (germline): Likely benign (1 of 4 stars; one submission).

gnomAD v4.1: 9 of 948,596 alleles (0.00095%); highest among the groups gnomAD compares: Non-Finnish European, 0.0012%; no homozygotes.

Submission:

CeGaT Center for Human Genetics Tuebingen
Classification: Likely benign. Last evaluated: 2023-03-01. Review status: criteria provided, single submitter. Criteria: CeGaT Center For Human Genetics Tuebingen Variant Classification Criteria Version 2. Collection method: clinical testing. Allele origin: germline. Affected: yes. Observed: 1 variant allele.
Comment: PHLPP1: PM2:Supporting, BP4, BP7

NM_194449.4(PHLPP1):c.87G>T (p.Ala29=)

Gene: PHLPP1 (PH domain and leucine rich repeat protein phosphatase 1; plus strand). Cytogenetic location: 18q21.33.
Variant type: single nucleotide variant.
Coding change: c.87G>T on transcript NM_194449.4 (MANE Select); coding-DNA position 87, G replaced by T.
Protein change: p.Ala29=; no amino-acid change (alanine 29 retained).
Molecular consequence: synonymous variant.
Genome position (GRCh38, 1-based): chr18:62,715,770, G>T. VCF-style: chr18-62715770-G-T. GRCh37 (hg19) VCF-style: chr18-60383003-G-T.
Identifiers: ClinVar variation 2648783 (VCV002648783.24), dbSNP rs2511768966, ClinGen allele CA504306125.
Genomic context (GRCh38, chr18:62,715,770, plus strand): 5'-ACAGCGACTCCCCGAGCTCGGCAGGGAGGACCGAGCTTCGGCTCCGGCGGCCGCCGCTGC[G>T]GCAGCAGCAGCAGCAGCGGCGGCCGCGGCGGCTCTGGCGGCGGCGGCCGGGGGCGGCCGG-3'
Protein context (NP_919431.2, residues 19-39): DRASAPAAAA[Ala29=]AAAAAAAAAA